The following is an entry in ClinVar:

NM_000540.3(RYR1):c.9441C>T (p.Ile3147=)

Gene: RYR1 (ryanodine receptor 1; plus strand). Cytogenetic location: 19q13.2.
Variant type: single nucleotide variant.
Coding change: c.9441C>T on transcript NM_000540.3 (MANE Select); coding-DNA position 9441, C replaced by T.
Protein change: p.Ile3147=; no amino-acid change (isoleucine 3147 retained).
Molecular consequence: synonymous variant.
Genome position (GRCh38, 1-based): chr19:38,512,452, C>T. VCF-style: chr19-38512452-C-T. GRCh37 (hg19) VCF-style: chr19-39003092-C-T.
Other names: c.9441C>T, p.Ile3147= (NM_001042723.2).
Identifiers: ClinVar variation 1663245 (VCV001663245.11), dbSNP rs376129203, ClinGen allele CA073582.
Genomic context (GRCh38, chr19:38,512,452, plus strand): 5'-GAACCTCACCTACACCACTGTGGCACTGCTGCCGGTCCTCACCACCCTCTTCCAGCACAT[C>T]GCCCAGCACCAGTTCGGAGATGACGTCATCCGTAAGGGCGCCTGACCCAAGGGCAGGTTG-3'
Protein context (NP_000531.2, residues 3137-3157): LPVLTTLFQH[Ile3147=]AQHQFGDDVI

ClinVar aggregate classification (germline): Likely benign. Review status: criteria provided, multiple submitters, no conflicts (2 of 4 stars). 4 submissions from 4 submitters: Likely benign (4). Last evaluated 2025-10-21.

Conditions:
Malignant hyperthermia, susceptibility to, 1 (MHS1). Also called: Malignant hyperthermia suceptibility 1; Anesthesia related hyperthermia; Malignant hyperpyrexia; Fulminating hyperpyrexia; Pharmacogenic myopathy; RYR1-Related Malignant Hyperthermia Susceptibility. Identifiers: Orphanet 423, MedGen C2930980, MONDO:0007783, OMIM 145600.
RYR1-related disorder. Also called: RYR1-related disorders; RYR1-related condition. Identifiers: MedGen CN239331.

Allele frequency attached by ClinVar (database versions not stated): gnomAD 0.00001; gnomAD exomes 0.00002; TOPMed 0.00002; ExAC 0.00003; ESP Exome Variant Server 0.00015.
gnomAD v4.1: 32 of 1,613,108 alleles (0.002%); highest among the groups gnomAD compares: Non-Finnish European, 0.0027%; no homozygotes.

Submissions (4):

Labcorp Genetics (formerly Invitae), Labcorp
Classification: Likely benign for RYR1-related disorder. Last evaluated: 2025-10-21. Review status: criteria provided, single submitter. Criteria: Invitae Variant Classification Sherloc (09022015). Collection method: clinical testing. Allele origin: germline.

Laboratory of Genetics, Children's Clinical University Hospital Latvia
Classification: Likely benign. Last evaluated: 2025-02-16. Review status: criteria provided, single submitter. Criteria: ACMG Guidelines, 2015. Collection method: clinical testing. Allele origin: germline. Affected: yes.

All of Us Research Program, National Institutes of Health
Classification: Likely benign for Malignant hyperthermia, susceptibility to, 1. Last evaluated: 2023-10-02. Review status: criteria provided, single submitter. Criteria: ACMG Guidelines, 2015. Collection method: clinical testing. Allele origin: germline. Inheritance: Autosomal dominant inheritance. Observed: 4 variant alleles, 4 heterozygotes.
Comment: This study involves interpretation of variants in research participants for the purpose of population health screening. Participant phenotype was not available at the time of variant classification. Additional details can be found in publication PMID: 35346344, PMCID: PMC8962531

Color Diagnostics, LLC DBA Color Health
Classification: Likely benign for Malignant hyperthermia, susceptibility to, 1. Last evaluated: 2022-11-06. Review status: criteria provided, single submitter. Criteria: ACMG Guidelines, 2015. Collection method: clinical testing. Allele origin: germline.